The following is an entry in ClinVar:

NM_000218.3(KCNQ1):c.89T>C (p.Leu30Pro)

Gene: KCNQ1 (potassium voltage-gated channel subfamily Q member 1; plus strand). Cytogenetic location: 11p15.5.
Variant type: single nucleotide variant.
Coding change: c.89T>C on transcript NM_000218.3 (MANE Select); coding-DNA position 89, T replaced by C.
Protein change: p.Leu30Pro; replaces leucine 30 with proline.
Molecular consequence: missense variant.
Genome position (GRCh38, 1-based): chr11:2,445,187, T>C. VCF-style: chr11-2445187-T-C. GRCh37 (hg19) VCF-style: chr11-2466417-T-C.
Other names: c.89T>C (NM_000218.2); short protein forms L30P.
Identifiers: ClinVar variation 1436092 (VCV001436092.4), dbSNP rs1846015467, ClinGen allele CA379116119.

ClinVar aggregate classification (germline): Uncertain significance. Review status: criteria provided, multiple submitters, no conflicts (2 of 4 stars). 2 submissions from 2 submitters: Uncertain significance (2). Last evaluated 2023-10-20.

Conditions:
Long QT syndrome (LQTS). Identifiers: MedGen C0023976, MeSH D008133, MONDO:0002442. Disease mechanism: loss of function. Inheritance: Various modes of inheritance.
Cardiovascular phenotype. Identifiers: MedGen CN230736.

Allele frequency attached by ClinVar (database versions not stated): TOPMed below 0.00001.

Submissions (2):

Ambry Genetics
Classification: Uncertain significance for Cardiovascular phenotype. Last evaluated: 2023-10-20. Review status: criteria provided, single submitter. Criteria: Ambry Variant Classification Scheme 2023. Collection method: clinical testing. Allele origin: germline.
Comment: The p.L30P variant (also known as c.89T>C), located in coding exon 1 of the KCNQ1 gene, results from a T to C substitution at nucleotide position 89. The leucine at codon 30 is replaced by proline, an amino acid with similar properties. This amino acid position is well conserved in available vertebrate species. In addition, this alteration is predicted to be tolerated by in silico analysis. Since supporting evidence is limited at this time, the clinical significance of this alteration remains unclear.

Labcorp Genetics (formerly Invitae), Labcorp
Classification: Uncertain significance for Long QT syndrome. Last evaluated: 2021-11-17. Review status: criteria provided, single submitter. Criteria: Invitae Variant Classification Sherloc (09022015). Collection method: clinical testing. Allele origin: germline.
Comment: This sequence change replaces leucine, which is neutral and non-polar, with proline, which is neutral and non-polar, at codon 30 of the KCNQ1 protein (p.Leu30Pro). This variant is not present in population databases (gnomAD no frequency). This variant has not been reported in the literature in individuals affected with KCNQ1-related conditions. Algorithms developed to predict the effect of missense changes on protein structure and function are either unavailable or do not agree on the potential impact of this missense change (SIFT: "Deleterious"; PolyPhen-2: "Benign"; Align-GVGD: "Class C0"). In summary, the available evidence is currently insufficient to determine the role of this variant in disease. Therefore, it has been classified as a Variant of Uncertain Significance.